The following is an entry in ClinVar:

NM_006734.4(HIVEP2):c.6530G>A (p.Gly2177Glu)

Gene: HIVEP2 (HIVEP zinc finger 2; minus strand). Cytogenetic location: 6q24.2.
Variant type: single nucleotide variant.
Coding change: c.6530G>A on transcript NM_006734.4 (MANE Select); coding-DNA position 6530, G replaced by A.
Protein change: p.Gly2177Glu; replaces glycine 2177 with glutamic acid.
Molecular consequence: missense variant.
Genome position (GRCh38, 1-based): chr6:142,753,918, C>T on the plus strand (G>A on the coding strand, the complement: HIVEP2 is on the minus strand). VCF-style: chr6-142753918-C-T. GRCh37 (hg19) VCF-style: chr6-143075055-C-T.
Other names: short protein forms G2177E.
Identifiers: ClinVar variation 3234746 (VCV003234746.20), dbSNP rs746667667, ClinGen allele CA365942294.

ClinVar aggregate classification (germline): Uncertain significance (1 of 4 stars; one submission).

Submission:

CeGaT Center for Human Genetics Tuebingen
Classification: Uncertain significance. Last evaluated: 2024-04-01. Review status: criteria provided, single submitter. Criteria: CeGaT Center For Human Genetics Tuebingen Variant Classification Criteria Version 2. Collection method: clinical testing. Allele origin: germline. Affected: yes. Observed: 1 variant allele.
Comment: HIVEP2: PM2